The following is an entry in ClinVar:

NM_000135.4(FANCA):c.1268A>G (p.Gln423Arg)

Gene: FANCA (FA complementation group A; minus strand). Cytogenetic location: 16q24.3.
Variant type: single nucleotide variant.
Coding change: c.1268A>G on transcript NM_000135.4 (MANE Select); coding-DNA position 1268, A replaced by G.
Protein change: p.Gln423Arg; replaces glutamine 423 with arginine.
Molecular consequence: missense variant.
Genome position (GRCh38, 1-based): chr16:89,791,494, T>C on the plus strand (A>G on the coding strand, the complement: FANCA is on the minus strand). VCF-style: chr16-89791494-T-C. GRCh37 (hg19) VCF-style: chr16-89857902-T-C.
Other names: c.1268A>G, p.Gln423Arg (NM_001286167.3); short protein forms Q423R.
Identifiers: ClinVar variation 2153709 (VCV002153709.4), dbSNP rs537213261, ClinGen allele CA8252419.

ClinVar aggregate classification (germline): Uncertain significance. Review status: criteria provided, multiple submitters, no conflicts (2 of 4 stars). 2 submissions from 2 submitters: Uncertain significance (2). Last evaluated 2025-03-02.

Conditions:
Fanconi anemia (FA). Also called: Fanconi's anemia. Identifiers: Orphanet 84, MedGen C0015625, MeSH D005199, MONDO:0019391.
Inborn genetic diseases. Identifiers: MedGen C0950123, MeSH D030342.

Allele frequency attached by ClinVar (database versions not stated): gnomAD exomes below 0.00001; ExAC 0.00001; gnomAD 0.00001; 1000 Genomes Project 30x 0.00016; 1000 Genomes Project 0.00020.
gnomAD v4.1: 3 of 1,614,170 alleles (0.00019%); highest among the groups gnomAD compares: Admixed American, 0.005%; no homozygotes.

Submissions (2):

Ambry Genetics
Classification: Uncertain significance for Inborn genetic diseases. Last evaluated: 2025-03-02. Review status: criteria provided, single submitter. Criteria: Ambry Variant Classification Scheme 2023. Collection method: clinical testing. Allele origin: germline.
Comment: The p.Q423R variant (also known as c.1268A>G), located in coding exon 14 of the FANCA gene, results from an A to G substitution at nucleotide position 1268. The glutamine at codon 423 is replaced by arginine, an amino acid with highly similar properties. This amino acid position is conserved. In addition, this alteration is predicted to be tolerated by in silico analysis. Based on the available evidence, the clinical significance of this variant remains unclear.

Labcorp Genetics (formerly Invitae), Labcorp
Classification: Uncertain significance for Fanconi anemia. Last evaluated: 2024-02-24. Review status: criteria provided, single submitter. Criteria: Invitae Variant Classification Sherloc (09022015). Collection method: clinical testing. Allele origin: germline.
Comment: This sequence change replaces glutamine, which is neutral and polar, with arginine, which is basic and polar, at codon 423 of the FANCA protein (p.Gln423Arg). This variant is present in population databases (rs537213261, gnomAD 0.003%). This variant has not been reported in the literature in individuals affected with FANCA-related conditions. ClinVar contains an entry for this variant (Variation ID: 2153709). Advanced modeling of protein sequence and biophysical properties (such as structural, functional, and spatial information, amino acid conservation, physicochemical variation, residue mobility, and thermodynamic stability) performed at Invitae indicates that this missense variant is not expected to disrupt FANCA protein function with a negative predictive value of 80%. In summary, the available evidence is currently insufficient to determine the role of this variant in disease. Therefore, it has been classified as a Variant of Uncertain Significance.